The following is an entry in ClinVar:

NM_001692.4(ATP6V1B1):c.1211T>C (p.Met404Thr)

Gene: ATP6V1B1 (ATPase H+ transporting V1 subunit B1; plus strand). Cytogenetic location: 2p13.3.
Variant type: single nucleotide variant.
Coding change: c.1211T>C on transcript NM_001692.4 (MANE Select); coding-DNA position 1211, T replaced by C.
Protein change: p.Met404Thr; replaces methionine 404 with threonine.
Molecular consequence: missense variant.
Genome position (GRCh38, 1-based): chr2:70,964,505, T>C. VCF-style: chr2-70964505-T-C. GRCh37 (hg19) VCF-style: chr2-71191635-T-C.
Other names: short protein forms M404T.
Identifiers: ClinVar variation 505429 (VCV000505429.4), dbSNP rs782107153, ClinGen allele CA1701293.

ClinVar aggregate classification (germline): Uncertain significance (1 of 4 stars; one submission).

Allele frequency attached by ClinVar (database versions not stated): gnomAD exomes below 0.00001; ExAC 0.00001.

Submission:

Laboratory for Molecular Medicine, Mass General Brigham Personalized Medicine
Classification: Uncertain significance. Last evaluated: 2016-11-19. Review status: criteria provided, single submitter. Criteria: LMM Criteria. Collection method: clinical testing. Allele origin: germline. Observed: 1 variant allele.
Comment: The p.Met404Thr variant in ATP6V1B1 has not been previously reported in individu als with hearing loss. It was identified in 1/66734 European chromosomes by the Exome Aggregation Consortium (ExAC; dbSNP rs7821 07153); however, its frequency is not high enough to rule out a pathogenic role. Computational prediction tools and conservation analyses do not provide strong support for or against an impact to the protein. In summary, the clinical signif icance of the p.Met404Thr variant is uncertain.